The following is an entry in ClinVar:

ClinVar aggregate classification (germline): Conflicting classifications of pathogenicity. Review status: criteria provided, conflicting classifications (1 of 4 stars). 2 submissions from 2 submitters: Uncertain significance (1); Likely benign (1). Last evaluated 2025-11-24.

Submissions (2):

Labcorp Genetics (formerly Invitae), Labcorp
Classification: Uncertain significance. Last evaluated: 2025-11-24. Review status: criteria provided, single submitter. Criteria: Invitae Variant Classification Sherloc (09022015). Collection method: clinical testing. Allele origin: germline.
Comment: This variant, c.191_202dup, results in the insertion of 4 amino acid(s) of the KCNQ4 protein (p.Gly64_Ser67dup), but otherwise preserves the integrity of the reading frame. This variant is present in population databases (rs781081834, gnomAD 0.09%). This variant has not been reported in the literature in individuals affected with KCNQ4-related conditions. ClinVar contains an entry for this variant (Variation ID: 680321). Experimental studies and prediction algorithms are not available or were not evaluated, and the functional significance of this variant is currently unknown. In summary, the available evidence is currently insufficient to determine the role of this variant in disease. Therefore, it has been classified as a Variant of Uncertain Significance.

GeneDx
Classification: Likely benign. Last evaluated: 2018-04-02. Review status: criteria provided, single submitter. Criteria: GeneDx Variant Classification (06012015). Collection method: clinical testing. Allele origin: germline. Affected: yes.
Comment: This variant is considered likely benign or benign based on one or more of the following criteria: it is a conservative change, it occurs at a poorly conserved position in the protein, it is predicted to be benign by multiple in silico algorithms, and/or has population frequency not consistent with disease.

NM_004700.4(KCNQ4):c.191_202dup (p.62_63GS[5])

Gene: KCNQ4 (potassium voltage-gated channel subfamily Q member 4; plus strand). Cytogenetic location: 1p34.2.
Variant type: Duplication.
Coding change: c.191_202dup on transcript NM_004700.4 (MANE Select); coding-DNA positions 191 to 202, 12 bases duplicated (GCTCGGGCTCCG).
Protein change: p.62_63GS[5].
Molecular consequence: inframe insertion.
Genome position (GRCh38, 1-based): chr1:40,784,284-40,784,295, GCTCGGGCTCCG duplicated; duplicating any 12 consecutive bases within chr1:40,784,275-40,784,295 gives the same sequence; the c. name uses the placement nearest the transcript's 3' end. VCF-style (leftmost placement, unchanged base first): chr1-40784274-C-CCGGGCTCCGGCT. GRCh37 (hg19) VCF-style: chr1-41249946-C-CCGGGCTCCGGCT.
Other names: c.191_202dup, p.62_63GS[5] (NM_172163.3).
Identifiers: ClinVar variation 680321 (VCV000680321.4), dbSNP rs781081834, ClinGen allele CA794448.